The following is an entry in ClinVar:

ClinVar aggregate classification (germline): Conflicting classifications of pathogenicity. Review status: criteria provided, conflicting classifications (1 of 4 stars). 7 submissions from 7 submitters: Uncertain significance (2); Likely benign (4). 1 of the submissions does not count toward it. Last evaluated 2026-01-26.

Conditions:
Charlevoix-Saguenay spastic ataxia (SACS). Also called: AUTOSOMAL RECESSIVE SPASTIC ATAXIA OF CHARLEVOIX-SAGUENAY; Spastic ataxia of Charlevoix-Saguenay; SPASTIC ATAXIA 6, AUTOSOMAL RECESSIVE. Identifiers: Orphanet 98, MedGen C1849140, MONDO:0010041, OMIM 270550.
Spastic paraplegia. Identifiers: MedGen C0037772, HP:0001258.
Hereditary spastic paraplegia. Also called: Familial spastic paraparesis. Identifiers: Orphanet 685, MedGen C0037773, MONDO:0019064. Disease mechanism: loss of function.

Allele frequency attached by ClinVar (database versions not stated): ExAC 0.00016; gnomAD 0.00018 and 0.00020; TOPMed 0.00018; gnomAD exomes 0.00022 and 0.00030; ESP Exome Variant Server 0.00054.
gnomAD v4.1: 467 of 1,613,792 alleles (0.029%); highest among the groups gnomAD compares: Middle Eastern, 0.082%; 1 homozygote.

Submissions (7):

Labcorp Genetics (formerly Invitae), Labcorp
Classification: Likely benign for Spastic paraplegia. Last evaluated: 2026-01-26. Review status: criteria provided, single submitter. Criteria: Invitae Variant Classification Sherloc (09022015). Collection method: clinical testing. Allele origin: germline.

Mayo Clinic Laboratories, Mayo Clinic
Classification: Likely benign. Last evaluated: 2024-12-31. Review status: criteria provided, single submitter. Criteria: ACMG Guidelines, 2015. Collection method: clinical testing. Allele origin: germline. Observed: 2 variant alleles.
Comment: BP4, BP7

Blueprint Genetics
Classification: Likely benign. Last evaluated: 2024-07-08. Review status: criteria provided, single submitter. Criteria: ACMG Guidelines, 2015. Collection method: clinical testing. Allele origin: germline.

Genome-Nilou Lab
Classification: Likely benign for Charlevoix-Saguenay spastic ataxia. Last evaluated: 2021-09-05. Review status: criteria provided, single submitter. Criteria: ACMG Guidelines, 2015. Collection method: clinical testing. Allele origin: germline. Affected: no.

Genome Diagnostics Laboratory, The Hospital for Sick Children
Classification: Uncertain significance for Hereditary spastic paraplegia. Last evaluated: 2019-03-01. Review status: criteria provided, single submitter. Criteria: ACMG Guidelines, 2015. Collection method: clinical testing. Allele origin: germline. Affected: yes.

Illumina Laboratory Services, Illumina
Classification: Uncertain significance for Charlevoix-Saguenay spastic ataxia. Last evaluated: 2018-01-13. Review status: criteria provided, single submitter. Criteria: ICSL Variant Classification Criteria 13 December 2019. Collection method: clinical testing. Allele origin: germline.

Natera, Inc.
Classification: Uncertain significance for Charlevoix-Saguenay type spastic ataxia. Last evaluated: 2020-01-24. Review status: no assertion criteria provided. Collection method: clinical testing. Allele origin: germline. Not counted in ClinVar's aggregate classification.

NM_014363.6(SACS):c.7200T>C (p.Phe2400=)

Gene: SACS (sacsin molecular chaperone; minus strand). Cytogenetic location: 13q12.12.
Variant type: single nucleotide variant.
Coding change: c.7200T>C on transcript NM_014363.6 (MANE Select); coding-DNA position 7200, T replaced by C.
Protein change: p.Phe2400=; no amino-acid change (phenylalanine 2400 retained).
Molecular consequence: synonymous variant.
Genome position (GRCh38, 1-based): chr13:23,336,676, A>G on the plus strand (T>C on the coding strand, the complement: SACS is on the minus strand). VCF-style: chr13-23336676-A-G. GRCh37 (hg19) VCF-style: chr13-23910815-A-G.
Other names: p.Phe2400=; c.6759T>C, p.Phe2253= (NM_001278055.2).
Identifiers: ClinVar variation 696801 (VCV000696801.21), dbSNP rs148544893, ClinGen allele CA6910952.